The following is an entry in ClinVar:

NM_001040142.2(SCN2A):c.708del (p.Ile237fs)

Gene: SCN2A (sodium voltage-gated channel alpha subunit 2; plus strand). Cytogenetic location: 2q24.3.
Variant type: Deletion.
Coding change: c.708del on transcript NM_001040142.2 (MANE Select); coding-DNA position 708, one base deleted (C; older notation c.708delC).
Protein change: p.Ile237fs; shifts the reading frame from isoleucine 237.
Molecular consequence: frameshift variant.
Genome position (GRCh38, 1-based): chr2:165,310,333, C deleted; the last of 2 consecutive C bases (chr2:165,310,332-165,310,333); deleting either gives the same sequence. VCF-style (leftmost placement, unchanged base first): chr2-165310331-AC-A. GRCh37 (hg19) VCF-style: chr2-166166841-AC-A.
Other names: c.708del, p.Ile237fs (NM_001040143.2, NM_001371246.1, NM_001371247.1 and 1 more transcripts); c.708delC (NM_021007.2); short protein forms I237fs.
Identifiers: ClinVar variation 207081 (VCV000207081.1), dbSNP rs796053198, ClinGen allele CA318189.

ClinVar aggregate classification (germline): Pathogenic (1 of 4 stars; one submission).

Submission:

GeneDx
Classification: Pathogenic. Last evaluated: 2014-05-23. Review status: criteria provided, single submitter. Criteria: GeneDx Variant Classification (06012015). Collection method: clinical testing. Allele origin: germline. Affected: yes.
Comment: c.708delC: p.Ile237LeufsX5 in exon 7 in the SCN2A gene (NM_021007.2). The normal sequence with the base(s) that are deleted in braces is: AGAC{C}ATTG. c.708delC mutation in the SCN2A gene has not been reported previously as a disease-causing mutation nor as a benign polymorphism, to our knowledge. The c.708delC mutation causes a frameshift starting with codon Isoleucine 237, changes this amino acid to a Leucine residue and creates a premature Stop codon at position 5 of the new reading frame, denoted p.Ile237LeufsX5. This mutation is predicted to cause loss of normal protein function either through protein truncation or nonsense-mediated mRNA decay. The c.708delC mutation was not observed in approximately 6500 individuals of European and African American ancestry in the NHLBI Exome Sequencing Project, indicating it is not a common benign variant in these populations. We interpret c.708delC as a disease-causing mutation. This variant has been observed de novo without verified parentage. The variant is found in SCN2A panel(s).